The following is an entry in ClinVar:

NM_001165963.4(SCN1A):c.1010G>C (p.Gly337Ala)

Gene: SCN1A (sodium voltage-gated channel alpha subunit 1; minus strand). Cytogenetic location: 2q24.3.
Variant type: single nucleotide variant.
Coding change: c.1010G>C on transcript NM_001165963.4 (MANE Select); coding-DNA position 1010, G replaced by C.
Protein change: p.Gly337Ala; replaces glycine 337 with alanine.
Molecular consequence: missense variant. On other transcripts: 5 prime UTR variant (1), non-coding transcript variant (1).
Genome position (GRCh38, 1-based): chr2:166,048,904, C>G on the plus strand (G>C on the coding strand, the complement: SCN1A is on the minus strand). VCF-style: chr2-166048904-C-G. GRCh37 (hg19) VCF-style: chr2-166905414-C-G.
Other names: c.1010G>C, p.Gly337Ala (NM_001165964.3, NM_001202435.3, NM_001353948.2 and 10 more transcripts); c.-1416G>C (NM_001353961.2); short protein forms G337A.
Identifiers: ClinVar variation 857067 (VCV000857067.10), dbSNP rs1698176171, ClinGen allele CA349071593.

ClinVar aggregate classification (germline): Pathogenic (1 of 4 stars; one submission).

Conditions:
Early-infantile DEE. Also called: Early infantile epileptic encephalopathy; Early infantile epileptic encephalopathy with suppression bursts; Ohtahara syndrome. Identifiers: Orphanet 1934, MedGen C0393706, MONDO:0800491.

Submission:

Labcorp Genetics (formerly Invitae), Labcorp
Classification: Pathogenic for Early-infantile DEE. Last evaluated: 2025-09-10. Review status: criteria provided, single submitter. Criteria: Invitae Variant Classification Sherloc (09022015). Collection method: clinical testing. Allele origin: germline.
Comment: This sequence change replaces glycine, which is neutral and non-polar, with alanine, which is neutral and non-polar, at codon 337 of the SCN1A protein (p.Gly337Ala). This variant is not present in population databases (gnomAD no frequency). This missense change has been observed in individual(s) with clinical features of SCN1A-related conditions (internal data). It has also been observed to segregate with disease in related individuals. ClinVar contains an entry for this variant (Variation ID: 857067). Invitae Evidence Modeling of protein sequence and biophysical properties (such as structural, functional, and spatial information, amino acid conservation, physicochemical variation, residue mobility, and thermodynamic stability) indicates that this missense variant is expected to disrupt SCN1A protein function with a positive predictive value of 95%. This variant disrupts the p.Gly337 amino acid residue in SCN1A. Other variant(s) that disrupt this residue have been determined to be pathogenic (PMID: 28012175; internal data). This suggests that this residue is clinically significant, and that variants that disrupt this residue are likely to be disease-causing. For these reasons, this variant has been classified as Pathogenic.

Literature cited by the submitters: PubMed 28012175.